The following is an entry in ClinVar:

ClinVar aggregate classification (germline): Uncertain significance. Review status: criteria provided, multiple submitters, no conflicts (2 of 4 stars). 3 submissions from 3 submitters: Uncertain significance (3). Last evaluated 2024-11-26.

Conditions:
Hereditary cancer-predisposing syndrome. Also called: Neoplastic Syndromes, Hereditary; Hereditary Cancer Syndrome; Hereditary neoplastic syndrome; Tumor predisposition. Identifiers: Orphanet 140162, MedGen C0027672, MeSH D009386, MONDO:0015356.
Cardiovascular phenotype. Identifiers: MedGen CN230736.
Neurofibromatosis, type 1 (NF1). Also called: Neurofibromatosis, type I; Peripheral type neurofibromatosis; VON RECKLINGHAUSEN DISEASE; NEUROFIBROMATOSIS, TYPE I, SOMATIC. Identifiers: Orphanet 636, MedGen C0027831, MONDO:0018975, OMIM 162200. Disease mechanism: loss of function.

Allele frequency attached by ClinVar (database versions not stated): gnomAD exomes below 0.00001.
gnomAD v4.1: 1 of 1,614,084 alleles (0.000062%); highest among the groups gnomAD compares: South Asian, 0.0011%; no homozygotes.

Submissions (3):

Labcorp Genetics (formerly Invitae), Labcorp
Classification: Uncertain significance for Neurofibromatosis, type 1. Last evaluated: 2024-11-26. Review status: criteria provided, single submitter. Criteria: Invitae Variant Classification Sherloc (09022015). Collection method: clinical testing. Allele origin: germline.
Comment: This sequence change replaces threonine, which is neutral and polar, with serine, which is neutral and polar, at codon 1245 of the NF1 protein (p.Thr1245Ser). This variant is present in population databases (no rsID available, gnomAD 0.003%). This missense change has been observed in individual(s) with clinical features of neurofibromatosis, type 1 and/or hematologic disorders (PMID: 32575496, 37216690). ClinVar contains an entry for this variant (Variation ID: 824141). Invitae Evidence Modeling of protein sequence and biophysical properties (such as structural, functional, and spatial information, amino acid conservation, physicochemical variation, residue mobility, and thermodynamic stability) indicates that this missense variant is expected to disrupt NF1 protein function with a positive predictive value of 95%. In summary, the available evidence is currently insufficient to determine the role of this variant in disease. Therefore, it has been classified as a Variant of Uncertain Significance.

Ambry Genetics
Classification: Uncertain significance for Cardiovascular phenotype; Hereditary cancer-predisposing syndrome. Last evaluated: 2019-10-02. Review status: criteria provided, single submitter. Criteria: Ambry Variant Classification Scheme 2023. Collection method: clinical testing. Allele origin: germline.
Comment: The p.T1245S variant (also known as c.3734C>G), located in coding exon 28 of the NF1 gene, results from a C to G substitution at nucleotide position 3734. The threonine at codon 1245 is replaced by serine, an amino acid with similar properties. This amino acid position is highly conserved in available vertebrate species. In addition, the in silico prediction for this alteration is inconclusive. Since supporting evidence is limited at this time, the clinical significance of this alteration remains unclear.

GeneDx
Classification: Uncertain significance. Last evaluated: 2019-05-02. Review status: criteria provided, single submitter. Criteria: GeneDx Variant Classification Process June 2021. Collection method: clinical testing. Allele origin: germline. Affected: yes.
Comment: In silico analysis, which includes protein predictors and evolutionary conservation, supports a deleterious effect; Has not been previously published as pathogenic or benign to our knowledge

Literature cited by the submitters: PubMed 32575496 (cited by Labcorp Genetics (formerly Invitae), Labcorp); PubMed 37216690 (cited by Labcorp Genetics (formerly Invitae), Labcorp).

NM_001042492.3(NF1):c.3734C>G (p.Thr1245Ser)

Gene: NF1 (neurofibromin 1; plus strand). Cytogenetic location: 17q11.2.
Variant type: single nucleotide variant.
Coding change: c.3734C>G on transcript NM_001042492.3 (MANE Select); coding-DNA position 3734, C replaced by G.
Protein change: p.Thr1245Ser; replaces threonine 1245 with serine.
Molecular consequence: missense variant.
Genome position (GRCh38, 1-based): chr17:31,235,636, C>G. VCF-style: chr17-31235636-C-G. GRCh37 (hg19) VCF-style: chr17-29562654-C-G.
Other names: c.3734C>G, p.Thr1245Ser (NM_000267.4); short protein forms T1245S.
Identifiers: ClinVar variation 824141 (VCV000824141.8), dbSNP rs1363534157, ClinGen allele CA398992381.